The following is an entry in ClinVar:

NM_173354.5(SIK1):c.2132C>G (p.Pro711Arg)

Gene: SIK1 (salt inducible kinase 1; minus strand). Cytogenetic location: 21q22.3.
Variant type: single nucleotide variant.
Coding change: c.2132C>G on transcript NM_173354.5 (MANE Select); coding-DNA position 2132, C replaced by G.
Protein change: p.Pro711Arg; replaces proline 711 with arginine.
Molecular consequence: missense variant.
Genome position (GRCh38, 1-based): chr21:43,416,962, G>C on the plus strand (C>G on the coding strand, the complement: SIK1 is on the minus strand). VCF-style: chr21-43416962-G-C. GRCh37 (hg19) VCF-style: chr21-44836842-G-C.
Other names: short protein forms P711R.
Identifiers: ClinVar variation 648382 (VCV000648382.9), dbSNP rs1601506378, ClinGen allele CA410606594.
Genomic context (GRCh38, chr21:43,416,962, plus strand): 5'-TGTGTGTCCAGGAGCTGCGCCGCTGAGGCCACCGGGGACGCGCCGGTCTGCAGGAGTGGG[G>C]GCGGCAGCAGCGGGAGCCCCGACGTGAGGAGGGTGCTGGGGAGCGGGGCAGCCCCAGGGC-3'
Protein context (NP_775490.2, residues 701-721): LLTSGLPLLP[Pro711Arg]PLLQTGASPV

ClinVar aggregate classification (germline): Uncertain significance (1 of 4 stars; one submission).

Conditions:
Developmental and epileptic encephalopathy, 30 (DEE30). Also called: Epileptic encephalopathy, early infantile, 30. Identifiers: MedGen C4225360, MONDO:0014595, OMIM 616341.

Submission:

Labcorp Genetics (formerly Invitae), Labcorp
Classification: Uncertain significance for Developmental and epileptic encephalopathy, 30. Last evaluated: 2024-02-14. Review status: criteria provided, single submitter. Criteria: Invitae Variant Classification Sherloc (09022015). Collection method: clinical testing. Allele origin: germline.
Comment: This sequence change replaces proline, which is neutral and non-polar, with arginine, which is basic and polar, at codon 711 of the SIK1 protein (p.Pro711Arg). This variant is not present in population databases (gnomAD no frequency). This variant has not been reported in the literature in individuals affected with SIK1-related conditions. ClinVar contains an entry for this variant (Variation ID: 648382). Advanced modeling of protein sequence and biophysical properties (such as structural, functional, and spatial information, amino acid conservation, physicochemical variation, residue mobility, and thermodynamic stability) performed at Invitae indicates that this missense variant is not expected to disrupt SIK1 protein function with a negative predictive value of 95%. In summary, the available evidence is currently insufficient to determine the role of this variant in disease. Therefore, it has been classified as a Variant of Uncertain Significance.